The following is an entry in ClinVar:

ClinVar aggregate classification (germline): Uncertain significance (1 of 4 stars; one submission).

Conditions:
Charcot-Marie-Tooth disease axonal type 2Z. Also called: CHARCOT-MARIE-TOOTH DISEASE, AXONAL, AUTOSOMAL DOMINANT, TYPE 2Z; CHARCOT-MARIE-TOOTH NEUROPATHY, TYPE 2Z. Identifiers: Orphanet 466768, MedGen C5569025, MONDO:0014736, OMIM 616688.

Allele frequency attached by ClinVar (database versions not stated): gnomAD exomes below 0.00001.
gnomAD v4.1: 2 of 1,613,868 alleles (0.00012%); highest among the groups gnomAD compares: Non-Finnish European, 0.00017%; no homozygotes.

Submission:

Labcorp Genetics (formerly Invitae), Labcorp
Classification: Uncertain significance for Charcot-Marie-Tooth disease axonal type 2Z. Last evaluated: 2020-03-09. Review status: criteria provided, single submitter. Criteria: Invitae Variant Classification Sherloc (09022015). Collection method: clinical testing. Allele origin: germline.
Comment: In summary, the available evidence is currently insufficient to determine the role of this variant in disease. Therefore, it has been classified as a Variant of Uncertain Significance. Algorithms developed to predict the effect of missense changes on protein structure and function are either unavailable or do not agree on the potential impact of this missense change (SIFT: "Not Available"; PolyPhen-2: "Benign"; Align-GVGD: "Not Available"). This variant has not been reported in the literature in individuals with MORC2-related conditions. This variant is not present in population databases (ExAC no frequency). This sequence change replaces serine with glycine at codon 311 of the MORC2 protein (p.Ser311Gly). The serine residue is highly conserved and there is a small physicochemical difference between serine and glycine.

NM_001303256.3(MORC2):c.931A>G (p.Ser311Gly)

Gene: MORC2 (MORC family CW-type zinc finger 2; minus strand). Cytogenetic location: 22q12.2.
Variant type: single nucleotide variant.
Coding change: c.931A>G on transcript NM_001303256.3 (MANE Select); coding-DNA position 931, A replaced by G.
Protein change: p.Ser311Gly; replaces serine 311 with glycine.
Molecular consequence: missense variant.
Genome position (GRCh38, 1-based): chr22:30,940,015, T>C on the plus strand (A>G on the coding strand, the complement: MORC2 is on the minus strand). VCF-style: chr22-30940015-T-C. GRCh37 (hg19) VCF-style: chr22-31336002-T-C.
Other names: c.931A>G, p.Ser311Gly (NM_001303257.2); c.745A>G, p.Ser249Gly (NM_014941.3); short protein forms S249G, S311G.
Identifiers: ClinVar variation 1001688 (VCV001001688.7), dbSNP rs1368116984, ClinGen allele CA411240396.
Genomic context (GRCh38, chr22:30,940,015, plus strand): 5'-TTACCCTGGAGTCCCGCGTGAGGTCTCCACCTAGGCGTACTTCTAATGTCCGAGCTTTGC[T>C]CTCTGCCTCCCGCGCCTTCTCTTCAGCTGAAACCCAGAAGAGAACATGGTAAGAAATGCA-3'
Protein context (NP_001290185.1, residues 301-321): IAEEKAREAE[Ser311Gly]KARTLEVRLG